The following is an entry in ClinVar:

ClinVar aggregate classification (germline): Conflicting classifications of pathogenicity. Review status: criteria provided, conflicting classifications (1 of 4 stars). 5 submissions from 5 submitters: Uncertain significance (4); Benign (1). Last evaluated 2025-11-24.

Conditions:
Hereditary cancer-predisposing syndrome. Also called: Neoplastic Syndromes, Hereditary; Tumor predisposition; Hereditary Cancer Syndrome; Hereditary neoplastic syndrome. Identifiers: Orphanet 140162, MedGen C0027672, MeSH D009386, MONDO:0015356.

Allele frequency attached by ClinVar (database versions not stated): gnomAD below 0.00001 and 0.00001; gnomAD exomes 0.00002 and 0.00006; ExAC 0.00007; ESP Exome Variant Server 0.00008; 1000 Genomes Project 30x 0.00016; 1000 Genomes Project 0.00020.
gnomAD v4.1: 30 of 1,614,134 alleles (0.0019%); highest among the groups gnomAD compares: South Asian, 0.022%; no homozygotes.

Submissions (5):

Color Diagnostics, LLC DBA Color Health
Classification: Uncertain significance for Hereditary cancer-predisposing syndrome. Last evaluated: 2025-11-24. Review status: criteria provided, single submitter. Criteria: ACMG Guidelines, 2015. Collection method: clinical testing. Allele origin: germline.
Comment: This missense variant replaces lysine with glutamic acid at codon 601 of the BAP1 protein. Computational prediction suggests that this variant may not impact protein structure and function. To our knowledge, functional studies have not been reported for this variant. This variant has not been reported in individuals affected with BAP1-related disorders in the literature. This variant has been identified in 14/251440 chromosomes in the general population by the Genome Aggregation Database (gnomAD). The available evidence is insufficient to determine the role of this variant in disease conclusively. Therefore, this variant is classified as a Variant of Uncertain Significance.

Center for Genomic Medicine, Rigshospitalet, Copenhagen University Hospital
Classification: Uncertain significance. Last evaluated: 2025-03-04. Review status: criteria provided, single submitter. Criteria: ACMG Guidelines, 2015. Collection method: clinical testing. Allele origin: germline.

GeneDx
Classification: Uncertain significance. Last evaluated: 2024-04-02. Review status: criteria provided, single submitter. Criteria: GeneDx Variant Classification Process June 2021. Collection method: clinical testing. Allele origin: germline. Affected: yes.
Comment: In silico analysis supports that this missense variant does not alter protein structure/function; Has not been previously published as pathogenic or benign to our knowledge

Quest Diagnostics Nichols Institute San Juan Capistrano
Classification: Uncertain significance. Last evaluated: 2023-04-17. Review status: criteria provided, single submitter. Criteria: Quest Diagnostics criteria. Collection method: clinical testing. Allele origin: unknown.
Comment: To the best of our knowledge, the variant has not been reported in the published literature. The frequency of this variant in the general population, 0.00033 (10/30616 chromosomes), is uninformative in assessment of its pathogenicity. Analysis of this variant using bioinformatics tools for the prediction of the effect of amino acid changes on protein structure and function yielded predictions that this variant is benign. Based on the available information, we are unable to determine the clinical significance of this variant.

Ambry Genetics
Classification: Benign for Hereditary cancer-predisposing syndrome. Last evaluated: 2022-01-24. Review status: criteria provided, single submitter. Criteria: Ambry Variant Classification Scheme 2023. Collection method: clinical testing. Allele origin: germline.

NM_004656.4(BAP1):c.1801A>G (p.Lys601Glu)

Gene: BAP1 (BRCA1 associated deubiquitinase 1; minus strand). Cytogenetic location: 3p21.1.
Variant type: single nucleotide variant.
Coding change: c.1801A>G on transcript NM_004656.4 (MANE Select); coding-DNA position 1801, A replaced by G.
Protein change: p.Lys601Glu; replaces lysine 601 with glutamic acid.
Molecular consequence: missense variant.
Genome position (GRCh38, 1-based): chr3:52,403,227, T>C on the plus strand (A>G on the coding strand, the complement: BAP1 is on the minus strand). VCF-style: chr3-52403227-T-C. GRCh37 (hg19) VCF-style: chr3-52437243-T-C.
Other names: c.1801A>G (LRG_529t1); short protein forms K601E.
Identifiers: ClinVar variation 485252 (VCV000485252.18), dbSNP rs142059527, ClinGen allele CA2436713.
Genomic context (GRCh38, chr3:52,403,227, plus strand): 5'-GCTCGCCAGGCCTCACCATCCCCGTCTTCTCTCTGCTGTCCGTGGCTTCCACGACCTCCT[T>C]CTCCACTGGGCTGCTGGACCCCTGGCTGCCTTGGATTGGTCTGATGGAGGGCGAGGAACC-3'
Protein context (NP_004647.1, residues 591-611): GSQGSSSPVE[Lys601Glu]EVVEATDSRE